The following is an entry in ClinVar:

NM_001282225.2(ADA2):c.1301A>T (p.His434Leu)

Gene: ADA2 (adenosine deaminase 2; minus strand). Cytogenetic location: 22q11.1.
Variant type: single nucleotide variant.
Coding change: c.1301A>T on transcript NM_001282225.2 (MANE Select); coding-DNA position 1301, A replaced by T.
Protein change: p.His434Leu; replaces histidine 434 with leucine.
Molecular consequence: missense variant.
Genome position (GRCh38, 1-based): chr22:17,181,961, T>A on the plus strand (A>T on the coding strand, the complement: ADA2 is on the minus strand). VCF-style: chr22-17181961-T-A. GRCh37 (hg19) VCF-style: chr22-17662851-T-A.
Other names: c.1301A>T, p.His434Leu (NM_001282226.2); c.1175A>T, p.His392Leu (NM_001282227.2, NM_001282228.2); c.941A>T, p.His314Leu (NM_001282229.2); c.578A>T, p.His193Leu (NM_177405.3); short protein forms H314L, H193L, H392L, H434L.
Identifiers: ClinVar variation 4746346 (VCV004746346.1).

ClinVar aggregate classification (germline): Uncertain significance (1 of 4 stars; one submission).

Conditions:
Deficiency of adenosine deaminase 2. Also called: Adenosine Deaminase 2 Deficiency; VASCULITIS, AUTOINFLAMMATION, IMMUNODEFICIENCY, AND HEMATOLOGIC DEFECTS SYNDROME; Polyarteritis nodosa, childhoood-onset. Identifiers: Orphanet 404553, MedGen C3887654, MONDO:0014306, OMIM 615688, MONDO:0100317.

gnomAD v4.1: 6 of 1,614,034 alleles (0.00037%); highest among the groups gnomAD compares: Non-Finnish European, 0.00051%; no homozygotes.

Submission:

Labcorp Genetics (formerly Invitae), Labcorp
Classification: Uncertain significance for Deficiency of adenosine deaminase 2. Last evaluated: 2025-10-18. Review status: criteria provided, single submitter. Criteria: Invitae Variant Classification Sherloc (09022015). Collection method: clinical testing. Allele origin: germline.
Comment: This sequence change replaces histidine, which is basic and polar, with leucine, which is neutral and non-polar, at codon 434 of the ADA2 protein (p.His434Leu). This variant is present in population databases (rs750280468, gnomAD 0.0009%). This variant has not been reported in the literature in individuals affected with ADA2-related conditions. Invitae Evidence Modeling of protein sequence and biophysical properties (such as structural, functional, and spatial information, amino acid conservation, physicochemical variation, residue mobility, and thermodynamic stability) indicates that this missense variant is not expected to disrupt ADA2 protein function with a negative predictive value of 95%. In summary, the available evidence is currently insufficient to determine the role of this variant in disease. Therefore, it has been classified as a Variant of Uncertain Significance.